The following is an entry in ClinVar:

NM_001369.3(DNAH5):c.9039dup (p.Thr3014fs)

Gene: DNAH5 (dynein axonemal heavy chain 5; minus strand). Cytogenetic location: 5p15.2.
Variant type: Duplication.
Coding change: c.9039dup on transcript NM_001369.3 (MANE Select); coding-DNA position 9039, one base duplicated (C; older notation c.9039dupC).
Protein change: p.Thr3014fs; shifts the reading frame from threonine 3014.
Molecular consequence: frameshift variant.
Genome position (GRCh38, 1-based): chr5:13,777,268, G duplicated on the plus strand (C on the coding strand, the reverse complement: DNAH5 is on the minus strand). VCF-style (leftmost placement, unchanged base first): chr5-13777267-T-TG. GRCh37 (hg19) VCF-style: chr5-13777376-T-TG.
Other names: c.9039dupC (NM_001369.2); short protein forms T3014fs.
Identifiers: ClinVar variation 835616 (VCV000835616.9), dbSNP rs1754234425, ClinGen allele CA916082692.

ClinVar aggregate classification (germline): Pathogenic/Likely pathogenic. Review status: criteria provided, multiple submitters, no conflicts (2 of 4 stars). 2 submissions from 2 submitters: Pathogenic (1); Likely pathogenic (1). Last evaluated 2024-02-27.

Conditions:
Primary ciliary dyskinesia. Also called: Ciliary dyskinesia. Identifiers: Orphanet 244, MedGen C0008780, MONDO:0016575, HP:0012265.

Allele frequency attached by ClinVar (database versions not stated): gnomAD exomes below 0.00001.

Submissions (2):

Natera, Inc.
Classification: Likely pathogenic for Primary ciliary dyskinesia. Last evaluated: 2024-02-27. Review status: criteria provided, single submitter. Criteria: Natera Variant Classification Schema (03/2026). Collection method: clinical testing. Allele origin: germline.
Comment: The c.9039dupC variant in DNAH5 is a frameshift variant predicted to shift the reading frame beginning at codon 3014 and leads to a stop codon 4 codons downstream. This variant is expected to result in nonsense mediated decay, truncation, or a dysfunctional protein product. This variant is rare in the general population with a frequency below the threshold expected for the associated phenotype(s). Given the available evidence, this variant is classified as Likely Pathogenic.

Labcorp Genetics (formerly Invitae), Labcorp
Classification: Pathogenic for Primary ciliary dyskinesia. Last evaluated: 2022-09-12. Review status: criteria provided, single submitter. Criteria: Invitae Variant Classification Sherloc (09022015). Collection method: clinical testing. Allele origin: germline.
Comment: For these reasons, this variant has been classified as Pathogenic. ClinVar contains an entry for this variant (Variation ID: 835616). This variant has not been reported in the literature in individuals affected with DNAH5-related conditions. This variant is not present in population databases (gnomAD no frequency). This sequence change creates a premature translational stop signal (p.Thr3014Hisfs*4) in the DNAH5 gene. It is expected to result in an absent or disrupted protein product. Loss-of-function variants in DNAH5 are known to be pathogenic (PMID: 11788826, 16627867).

Literature cited by the submitters: PubMed 11788826 (cited by Labcorp Genetics (formerly Invitae), Labcorp); PubMed 16627867 (cited by Labcorp Genetics (formerly Invitae), Labcorp).